The following is an entry in ClinVar:

ClinVar aggregate classification (germline): Uncertain significance (1 of 4 stars; one submission).

Submission:

GeneDx
Classification: Uncertain significance. Last evaluated: 2025-07-02. Review status: criteria provided, single submitter. Criteria: GeneDx Variant Classification Process June 2021. Collection method: clinical testing. Allele origin: germline. Affected: yes.
Comment: Not observed at significant frequency in large population cohorts (gnomAD); In silico analysis supports that this missense variant has a deleterious effect on protein structure/function; Has not been previously published as pathogenic or benign to our knowledge

NM_001854.4(COL11A1):c.1907A>G (p.Asp636Gly)

Gene: COL11A1 (collagen type XI alpha 1 chain; minus strand). Cytogenetic location: 1p21.1.
Variant type: single nucleotide variant.
Coding change: c.1907A>G on transcript NM_001854.4 (MANE Select); coding-DNA position 1907, A replaced by G.
Protein change: p.Asp636Gly; replaces aspartic acid 636 with glycine.
Molecular consequence: missense variant. On other transcripts: non-coding transcript variant (1).
Genome position (GRCh38, 1-based): chr1:103,004,481, T>C on the plus strand (A>G on the coding strand, the complement: COL11A1 is on the minus strand). VCF-style: chr1-103004481-T-C. GRCh37 (hg19) VCF-style: chr1-103470037-T-C.
Other names: c.1790A>G, p.Asp597Gly (NM_001190709.2); c.1943A>G, p.Asp648Gly (NM_080629.3); c.1559A>G, p.Asp520Gly (NM_080630.4); short protein forms D520G, D597G, D636G, D648G.
Identifiers: ClinVar variation 4680932 (VCV004680932.1).